The following is an entry in ClinVar:

NM_001394372.1(BICRA):c.262G>A (p.Gly88Arg)

Gene: BICRA (BRD4 interacting chromatin remodeling complex associated protein; plus strand). Cytogenetic location: 19q13.33.
Variant type: single nucleotide variant.
Coding change: c.262G>A on transcript NM_001394372.1 (MANE Select); coding-DNA position 262, G replaced by A.
Protein change: p.Gly88Arg; replaces glycine 88 with arginine.
Molecular consequence: missense variant.
Genome position (GRCh38, 1-based): chr19:47,679,432, G>A. VCF-style: chr19-47679432-G-A. GRCh37 (hg19) VCF-style: chr19-48182689-G-A.
Other names: c.262G>A, p.Gly88Arg (NM_015711.3); short protein forms G88R.
Identifiers: ClinVar variation 2630247 (VCV002630247.1), dbSNP rs1310999953, ClinGen allele CA406608346.

ClinVar aggregate classification (germline): Uncertain significance (1 of 4 stars; one submission).

Conditions:
BICRA-related disorder. Also called: BICRA-related condition.

Allele frequency attached by ClinVar (database versions not stated): gnomAD 0.00001.
gnomAD v4.1: 3 of 1,490,692 alleles (0.0002%); highest among the groups gnomAD compares: Admixed American, 0.0047%; no homozygotes.

Submission:

PreventionGenetics, part of Exact Sciences
Classification: Uncertain significance for BICRA-related condition. Last evaluated: 2023-01-27. Review status: criteria provided, single submitter. Criteria: ACMG Guidelines, 2015. Collection method: clinical testing. Allele origin: germline.
Comment: The BICRA c.262G>A variant is predicted to result in the amino acid substitution p.Gly88Arg. To our knowledge, this variant has not been reported in the literature or in a large population database, indicating this variant is rare. At this time, the clinical significance of this variant is uncertain due to the absence of conclusive functional and genetic evidence.